The following is an entry in ClinVar:

ClinVar aggregate classification (germline): Uncertain significance (1 of 4 stars; one submission).

Conditions:
Dextro-looped transposition of the great arteries. Also called: Dextrotransposition of the great arteries. Identifiers: Orphanet 860, MedGen C3531771, MONDO:0019443, OMIM 608808, HP:0031348.

Allele frequency attached by ClinVar (database versions not stated): gnomAD 0.00001; TOPMed 0.00001.
gnomAD v4.1: 5 of 1,613,920 alleles (0.00031%); highest among the groups gnomAD compares: African/African-American, 0.0013%; no homozygotes.

Submission:

Labcorp Genetics (formerly Invitae), Labcorp
Classification: Uncertain significance for Dextro-looped transposition of the great arteries. Last evaluated: 2023-08-23. Review status: criteria provided, single submitter. Criteria: Invitae Variant Classification Sherloc (09022015). Collection method: clinical testing. Allele origin: germline.
Comment: This sequence change replaces serine, which is neutral and polar, with cysteine, which is neutral and slightly polar, at codon 550 of the MED13L protein (p.Ser550Cys). This variant is not present in population databases (gnomAD no frequency). This variant has not been reported in the literature in individuals affected with MED13L-related conditions. Advanced modeling of protein sequence and biophysical properties (such as structural, functional, and spatial information, amino acid conservation, physicochemical variation, residue mobility, and thermodynamic stability) performed at Invitae indicates that this missense variant is expected to disrupt MED13L protein function. In summary, the available evidence is currently insufficient to determine the role of this variant in disease. Therefore, it has been classified as a Variant of Uncertain Significance.

NM_015335.5(MED13L):c.1649C>G (p.Ser550Cys)

Gene: MED13L (mediator complex subunit 13L; minus strand). Cytogenetic location: 12q24.21.
Variant type: single nucleotide variant.
Coding change: c.1649C>G on transcript NM_015335.5 (MANE Select); coding-DNA position 1649, C replaced by G.
Protein change: p.Ser550Cys; replaces serine 550 with cysteine.
Molecular consequence: missense variant.
Genome position (GRCh38, 1-based): chr12:116,008,764, G>C on the plus strand (C>G on the coding strand, the complement: MED13L is on the minus strand). VCF-style: chr12-116008764-G-C. GRCh37 (hg19) VCF-style: chr12-116446569-G-C.
Other names: short protein forms S550C.
Identifiers: ClinVar variation 2804872 (VCV002804872.3), dbSNP rs1236040665, ClinGen allele CA386895853.